The following is an entry in ClinVar:

ClinVar aggregate classification (germline): Likely benign (1 of 4 stars; one submission).

Conditions:
RPGR-related disorder. Also called: RPGR-related condition.

Submission:

PreventionGenetics, part of Exact Sciences
Classification: Likely benign for RPGR-related condition. Last evaluated: 2026-03-29. Review status: criteria provided, single submitter. Criteria: ACMG Guidelines, 2015. Collection method: clinical testing. Allele origin: germline.
Comment: This variant is classified as likely benign based on ACMG/AMP sequence variant interpretation guidelines (Richards et al. 2015 PMID: 25741868, with internal and published modifications).

NM_001034853.2(RPGR):c.2607A>G (p.Glu869=)

Gene: RPGR (retinitis pigmentosa GTPase regulator; minus strand). Cytogenetic location: Xp11.4.
Variant type: single nucleotide variant.
Coding change: c.2607A>G on transcript NM_001034853.2 (MANE Select); coding-DNA position 2607, A replaced by G.
Protein change: p.Glu869=; no amino-acid change (glutamic acid 869 retained).
Molecular consequence: synonymous variant. On other transcripts: intron variant (8).
Genome position (GRCh38, 1-based): chrX:38,286,392, T>C on the plus strand (A>G on the coding strand, the complement: RPGR is on the minus strand). VCF-style: chrX-38286392-T-C. GRCh37 (hg19) VCF-style: chrX-38145645-T-C.
Other names: c.1569+4567A>G (NM_001367249.1, NM_001367250.1); c.1902+702A>G (NM_001367245.1); c.1386+4567A>G (NM_001367251.1); c.1719+702A>G (NM_001367246.1); c.1572+4567A>G (NM_001367247.1); c.1905+702A>G (NM_000328.3); c.1602+4567A>G (NM_001367248.1).
Identifiers: ClinVar variation 4987366 (VCV004987366.1).